The following is an entry in ClinVar:

ClinVar aggregate classification (germline): Pathogenic (1 of 4 stars; one submission).

Submission:

Labcorp Genetics (formerly Invitae), Labcorp
Classification: Pathogenic. Last evaluated: 2023-10-12. Review status: criteria provided, single submitter. Criteria: Invitae Variant Classification Sherloc (09022015). Collection method: clinical testing. Allele origin: unknown.
Comment: This variant is a gross deletion of the genomic region encompassing exon(s) 8-34 of the DUOX2 gene, which includes the termination codon. This deletion extends beyond the assayed region for this gene and therefore may encompass additional genes. While this deletion is not anticipated to lead to nonsense mediated decay, it is expected to alter mRNA translation or result in a truncated protein product. This variant has not been reported in the literature in individuals affected with DUOX2-related conditions. This variant disrupts a region of the DUOX2 protein in which other variant(s) (p.Gly1518Ser) have been determined to be pathogenic (PMID: 20187165, 31030636). This suggests that this is a clinically significant region of the protein, and that variants that disrupt it are likely to be disease-causing. For these reasons, this variant has been classified as Pathogenic.

Literature cited by the submitters: PubMed 20187165; PubMed 31030636.

NC_000015.9:g.(?_45386348)_(45402928_?)del

Gene: DUOX2 (dual oxidase 2; minus strand). Cytogenetic location: 15q21.1.
Variant type: Deletion.
Identifiers: ClinVar variation 3243885 (VCV003243885.1).